The following is an entry in ClinVar:

NM_015559.3(SETBP1):c.3808G>A (p.Gly1270Ser)

Gene: SETBP1 (SET binding protein 1; plus strand). Cytogenetic location: 18q12.3.
Variant type: single nucleotide variant.
Coding change: c.3808G>A on transcript NM_015559.3 (MANE Select); coding-DNA position 3808, G replaced by A.
Protein change: p.Gly1270Ser; replaces glycine 1270 with serine.
Molecular consequence: missense variant.
Genome position (GRCh38, 1-based): chr18:44,953,148, G>A. VCF-style: chr18-44953148-G-A. GRCh37 (hg19) VCF-style: chr18-42533113-G-A.
Other names: c.3808G>A, p.Gly1270Ser (NM_001379141.1, NM_001379142.1); short protein forms G1270S.
Identifiers: ClinVar variation 1326040 (VCV001326040.14), dbSNP rs142834327, ClinGen allele CA8945989.

ClinVar aggregate classification (germline): Benign/Likely benign. Review status: criteria provided, multiple submitters, no conflicts (2 of 4 stars). 6 submissions from 6 submitters: Benign (2); Likely benign (3). 1 of the submissions does not count toward it. Last evaluated 2026-02-01.

Conditions:
SETBP1-related disorder. Also called: SETBP1-related condition; SETBP1-related disorders.

Allele frequency attached by ClinVar (database versions not stated): gnomAD exomes 0.00012; ExAC 0.00014; 1000 Genomes Project 30x 0.00016; 1000 Genomes Project 0.00020; gnomAD 0.00050 and 0.00055; TOPMed 0.00062; ESP Exome Variant Server 0.00092.
gnomAD v4.1: 133 of 1,614,082 alleles (0.0082%); highest among the groups gnomAD compares: African/African-American, 0.16%; 1 homozygote.

Submissions (6):

Labcorp Genetics (formerly Invitae), Labcorp
Classification: Likely benign. Last evaluated: 2026-02-01. Review status: criteria provided, single submitter. Criteria: Invitae Variant Classification Sherloc (09022015). Collection method: clinical testing. Allele origin: germline.

Athena Diagnostics
Classification: Benign. Last evaluated: 2024-02-20. Review status: criteria provided, single submitter. Criteria: Athena Diagnostics Criteria. Collection method: clinical testing. Allele origin: unknown.

Blueprint Genetics
Classification: Likely benign. Last evaluated: 2023-12-13. Review status: criteria provided, single submitter. Criteria: ACMG Guidelines, 2015. Collection method: clinical testing. Allele origin: germline.

GeneDx
Classification: Benign. Last evaluated: 2021-11-19. Review status: criteria provided, single submitter. Criteria: GeneDx Variant Classification Process June 2021. Collection method: clinical testing. Allele origin: germline. Affected: yes.

Breakthrough Genomics
Classification: Likely benign. Review status: criteria provided, single submitter. Criteria: ACMG Guidelines, 2015. Collection method: not provided. Allele origin: germline. Inheritance: Autosomal dominant inheritance. Affected: yes.

PreventionGenetics, part of Exact Sciences
Classification: Likely benign for SETBP1-related condition. Last evaluated: 2021-07-06. Review status: no assertion criteria provided. Collection method: clinical testing. Allele origin: germline. Not counted in ClinVar's aggregate classification.
Comment: This variant is classified as likely benign based on ACMG/AMP sequence variant interpretation guidelines (Richards et al. 2015 PMID: 25741868, with internal and published modifications).

Literature cited by the submitters: PubMed 31788832 (cited by Athena Diagnostics).